The following is an entry in ClinVar:

ClinVar aggregate classification (germline): Pathogenic/Likely pathogenic. Review status: criteria provided, multiple submitters, no conflicts (2 of 4 stars). 8 submissions from 7 submitters: Pathogenic (3); Likely pathogenic (3). 2 of the submissions do not count toward it. Last evaluated 2023-11-04.

Conditions:
Retinal dystrophy. Also called: Inherited retinal dystrophy. Identifiers: Orphanet 71862, MedGen C0854723, MeSH D058499, MONDO:0019118, HP:0000556.
Retinitis pigmentosa (RP). Identifiers: Orphanet 791, MedGen C0035334, MeSH D012174, MONDO:0019200, OMIM 268000. Inheritance: Autosomal dominant, autosomal recessive and X linked inheritance.
Usher syndrome type 2A. Also called: RETINAL DISEASE IN USHER SYNDROME TYPE IIA, MODIFIER OF; USHER SYNDROME, TYPE IIA. Identifiers: Orphanet 231178, Orphanet 886, MedGen C1848634, MONDO:0010169, OMIM 276901.
Retinitis pigmentosa 39 (RP39). Identifiers: Orphanet 791, MedGen C3151138, MONDO:0013436, OMIM 613809.
USH2A-related disorder. Also called: USH2A-related disorders; USH2A-related condition. Identifiers: MedGen CN239332.

gnomAD v4.1: 1 of 1,613,448 alleles (0.000062%); highest among the groups gnomAD compares: Non-Finnish European, 0.000085%; no homozygotes.

Submissions (8):

Genome-Nilou Lab
Classification: Likely pathogenic for Retinitis pigmentosa 39. Last evaluated: 2023-11-04. Review status: criteria provided, single submitter. Criteria: ACMG Guidelines, 2015. Collection method: clinical testing. Allele origin: germline. Affected: no.

Genome-Nilou Lab
Classification: Likely pathogenic for Usher syndrome type 2A. Last evaluated: 2023-11-04. Review status: criteria provided, single submitter. Criteria: ACMG Guidelines, 2015. Collection method: clinical testing. Allele origin: germline. Affected: no.

Blueprint Genetics
Classification: Pathogenic for USH2A-related disorders. Last evaluated: 2022-06-08. Review status: criteria provided, single submitter. Criteria: ACMG Guidelines, 2015. Collection method: clinical testing. Allele origin: germline. Affected: yes. Observed: 1 variant allele.

Labcorp Genetics (formerly Invitae), Labcorp
Classification: Pathogenic. Last evaluated: 2022-03-12. Review status: criteria provided, single submitter. Criteria: Invitae Variant Classification Sherloc (09022015). Collection method: clinical testing. Allele origin: germline.
Comment: For these reasons, this variant has been classified as Pathogenic. ClinVar contains an entry for this variant (Variation ID: 551604). This premature translational stop signal has been observed in individual(s) with Usher syndrome (PMID: 16963483). This variant is not present in population databases (gnomAD no frequency). This sequence change creates a premature translational stop signal (p.Gly1392*) in the USH2A gene. It is expected to result in an absent or disrupted protein product. Loss-of-function variants in USH2A are known to be pathogenic (PMID: 10729113, 10909849, 20507924, 25649381).

Ocular Genomics Institute, Massachusetts Eye and Ear
Classification: Likely pathogenic for Retinitis pigmentosa 39. Last evaluated: 2021-04-08. Review status: criteria provided, single submitter. Criteria: ACMG Guidelines, 2015. Collection method: research. Allele origin: germline. Affected: yes.
Comment: Through a review of available evidence we were able to apply the following criteria: PVS1, PM2. Based on this evidence we have classified this variant as Likely Pathogenic.

Institute of Human Genetics, Univ. Regensburg, Univ. Regensburg
Classification: Pathogenic for Retinal dystrophy. Last evaluated: 2020-01-01. Review status: criteria provided, single submitter. Criteria: ACMG Guidelines, 2015. Collection method: clinical testing. Allele origin: germline. Affected: yes.

Sharon lab, Hadassah-Hebrew University Medical Center
Classification: Pathogenic for Retinitis pigmentosa. Last evaluated: 2019-06-23. Review status: no assertion criteria provided. Collection method: research. Allele origin: inherited. Affected: yes. Not counted in ClinVar's aggregate classification.

Counsyl
Classification: Likely pathogenic for Usher syndrome type 2A; Retinitis pigmentosa 39. Last evaluated: 2017-04-24. Review status: no assertion criteria provided. Collection method: clinical testing. Allele origin: unknown. Not counted in ClinVar's aggregate classification.

Literature cited by the submitters: PubMed 16963483 (cited by 3 submitters); PubMed 10729113 (cited by Labcorp Genetics (formerly Invitae), Labcorp); PubMed 10909849 (cited by Labcorp Genetics (formerly Invitae), Labcorp); PubMed 20507924 (cited by Labcorp Genetics (formerly Invitae), Labcorp); PubMed 25649381 (cited by Labcorp Genetics (formerly Invitae), Labcorp); PubMed 25525159 (cited by Institute of Human Genetics, Univ. Regensburg, Univ. Regensburg and Counsyl); PubMed 31456290 (cited by Institute of Human Genetics, Univ. Regensburg, Univ. Regensburg).

NM_206933.4(USH2A):c.4174G>T (p.Gly1392Ter)

Genes: USH2A-AS1 (USH2A antisense RNA 1; plus strand), USH2A (usherin; minus strand). Cytogenetic location: 1q41.
Variant type: single nucleotide variant.
Coding change: c.4174G>T on transcript NM_206933.4 (MANE Select); coding-DNA position 4174, G replaced by T.
Protein change: p.Gly1392Ter; replaces glycine 1392 with a stop codon.
Molecular consequence: nonsense.
Genome position (GRCh38, 1-based): chr1:216,196,630, C>A on the plus strand (G>T on the coding strand, the complement: USH2A is on the minus strand). VCF-style: chr1-216196630-C-A. GRCh37 (hg19) VCF-style: chr1-216369972-C-A.
Other names: c.4174G>T, p.Gly1392Ter (NM_007123.6); short protein forms G1392*.
Identifiers: ClinVar variation 551604 (VCV000551604.15), dbSNP rs1177198729, ClinGen allele CA344866400.